The following is an entry in ClinVar:

ClinVar aggregate classification (germline): Conflicting classifications of pathogenicity. Review status: criteria provided, conflicting classifications (1 of 4 stars). 7 submissions from 7 submitters: Pathogenic (2); Likely pathogenic (1); Uncertain significance (1). 3 of the submissions do not count toward it. Last evaluated 2025-04-11.

Conditions:
LRP5-related disorder. Also called: LRP5-related condition.
Retinal dystrophy. Also called: Inherited retinal dystrophy. Identifiers: Orphanet 71862, MedGen C0854723, MeSH D058499, MONDO:0019118, HP:0000556.
Exudative vitreoretinopathy 4, autosomal recessive. Identifiers: MedGen C4016839.

gnomAD v4.1: 29 of 1,613,960 alleles (0.0018%); highest among the groups gnomAD compares: African/African-American, 0.0027%; no homozygotes.

Submissions (7):

Labcorp Genetics (formerly Invitae), Labcorp
Classification: Pathogenic. Last evaluated: 2025-04-11. Review status: criteria provided, single submitter. Criteria: Invitae Variant Classification Sherloc (09022015). Collection method: clinical testing. Allele origin: germline.
Comment: This sequence change replaces glycine, which is neutral and non-polar, with arginine, which is basic and polar, at codon 610 of the LRP5 protein (p.Gly610Arg). This variant is present in population databases (rs80358313, gnomAD 0.003%). This missense change has been observed in individual(s) with autosomal dominant osteoporosis with retinopathy and autosomal recessive osteoporosis-pseudoglioma syndrome (PMID: 15981244, 16252235, 20340138). In at least one individual the data is consistent with being in trans (on the opposite chromosome) from a pathogenic variant. ClinVar contains an entry for this variant (Variation ID: 6294). Invitae Evidence Modeling of protein sequence and biophysical properties (such as structural, functional, and spatial information, amino acid conservation, physicochemical variation, residue mobility, and thermodynamic stability) indicates that this missense variant is expected to disrupt LRP5 protein function with a positive predictive value of 95%. Experimental studies have shown that this missense change affects LRP5 function (PMID: 16252235). For these reasons, this variant has been classified as Pathogenic.

GeneDx
Classification: Uncertain significance. Last evaluated: 2024-05-12. Review status: criteria provided, single submitter. Criteria: GeneDx Variant Classification Process June 2021. Collection method: clinical testing. Allele origin: germline. Affected: yes.
Comment: Not observed at significant frequency in large population cohorts (gnomAD); In silico analysis supports that this missense variant has a deleterious effect on protein structure/function; This variant is associated with the following publications: (PMID: 31589614, 28191890, 15981244, 31785789, 35982159, 20340138, 31964843, 35982160, 35770050, 28714951, 36018796)

Institute of Human Genetics, Univ. Regensburg, Univ. Regensburg
Classification: Likely pathogenic for Retinal dystrophy. Last evaluated: 2022-01-01. Review status: criteria provided, single submitter. Criteria: ACMG Guidelines, 2015. Collection method: clinical testing. Allele origin: germline. Affected: yes.

Blueprint Genetics
Classification: Pathogenic for LRP5-related disorders. Last evaluated: 2021-04-29. Review status: criteria provided, single submitter. Criteria: ACMG Guidelines, 2015. Collection method: clinical testing. Allele origin: germline. Affected: yes. Observed: 4 variant alleles.

OMIM
Classification: Pathogenic for EXUDATIVE VITREORETINOPATHY 4, AUTOSOMAL RECESSIVE. Last evaluated: 2005-08-01. Review status: no assertion criteria provided. Collection method: literature only. Allele origin: germline. Not counted in ClinVar's aggregate classification.

Genome Diagnostics Laboratory, Amsterdam University Medical Center
Classification: Pathogenic. Review status: no assertion criteria provided. Collection method: clinical testing. Allele origin: germline. Affected: yes. Study: VKGL Data-share Consensus. Not counted in ClinVar's aggregate classification.

Joint Genome Diagnostic Labs from Nijmegen and Maastricht, Radboudumc and MUMC+
Classification: Likely pathogenic. Review status: no assertion criteria provided. Collection method: clinical testing. Allele origin: germline. Affected: yes. Study: VKGL Data-share Consensus. Not counted in ClinVar's aggregate classification.

Literature cited by the submitters: PubMed 15981244 (cited by 3 submitters); PubMed 16252235 (cited by Labcorp Genetics (formerly Invitae), Labcorp); PubMed 20340138 (cited by Labcorp Genetics (formerly Invitae), Labcorp); PubMed 28191890 (cited by Institute of Human Genetics, Univ. Regensburg, Univ. Regensburg); PubMed 28714951 (cited by Institute of Human Genetics, Univ. Regensburg, Univ. Regensburg); PubMed 31589614 (cited by Institute of Human Genetics, Univ. Regensburg, Univ. Regensburg); PubMed 31785789 (cited by Institute of Human Genetics, Univ. Regensburg, Univ. Regensburg); PubMed 31964843 (cited by Institute of Human Genetics, Univ. Regensburg, Univ. Regensburg); PubMed 35982160 (cited by Institute of Human Genetics, Univ. Regensburg, Univ. Regensburg); PubMed 35982159 (cited by Institute of Human Genetics, Univ. Regensburg, Univ. Regensburg).

NM_002335.4(LRP5):c.1828G>A (p.Gly610Arg)

Gene: LRP5 (LDL receptor related protein 5; plus strand). Cytogenetic location: 11q13.2.
Variant type: single nucleotide variant.
Coding change: c.1828G>A on transcript NM_002335.4 (MANE Select); coding-DNA position 1828, G replaced by A.
Protein change: p.Gly610Arg; replaces glycine 610 with arginine.
Molecular consequence: missense variant.
Genome position (GRCh38, 1-based): chr11:68,406,550, G>A. VCF-style: chr11-68406550-G-A. GRCh37 (hg19) VCF-style: chr11-68174018-G-A.
Other names: c.1828G>A (NM_002335.2); c.85G>A, p.Gly29Arg (NM_001291902.2); short protein forms G610R, G29R.
Identifiers: ClinVar variation 6294 (VCV000006294.11), dbSNP rs80358313, ClinGen allele CA118109.